The following is an entry in ClinVar:

ClinVar aggregate classification (germline): Uncertain significance (1 of 4 stars; one submission).

Conditions:
Majeed syndrome (MJDS). Also called: LPIN2-Related Majeed Syndrome; CHRONIC RECURRENT MULTIFOCAL OSTEOMYELITIS 1, WITH CONGENITAL DYSERYTHROPOIETIC ANEMIA, WITH OR WITHOUT NEUTROPHILIC DERMATOSIS. Identifiers: Orphanet 77297, MedGen C1864997, MONDO:0012316, OMIM 609628.

Allele frequency attached by ClinVar (database versions not stated): gnomAD exomes below 0.00001; TOPMed below 0.00001; gnomAD 0.00001.
gnomAD v4.1: 5 of 1,612,118 alleles (0.00031%); highest among the groups gnomAD compares: African/African-American, 0.0013%; no homozygotes.

Submission:

ARUP Laboratories, Molecular Genetics and Genomics, ARUP Laboratories
Classification: Uncertain significance for Majeed syndrome. Last evaluated: 2020-11-18. Review status: criteria provided, single submitter. Criteria: ARUP Molecular Germline Variant Investigation Process 2021. Collection method: clinical testing. Allele origin: germline.
Comment: The LPIN2 c.2546C>T; p.Ser849Leu variant (rs1467998402), to our knowledge, is not reported in the medical literature or gene specific databases. This variant is also absent from general population databases (Exome Variant Server, Genome Aggregation Database), indicating it is not a common polymorphism. The serine at codon 849 is highly conserved, and computational analyses predict that this variant is deleterious (REVEL: 0.854). Additionally, this variant occurs in the last nucleotide of the exon, a position that is highly conserved and computational analyses (Alamut v.2.11) predict that this variant may impact splicing by weakening the nearby canonical donor splice site. However, given the lack of clinical and functional data, the significance of the p.Ser849Leu variant is uncertain at this time.

NM_001375808.2(LPIN2):c.2546C>T (p.Ser849Leu)

Gene: LPIN2 (lipin 2; minus strand). Cytogenetic location: 18p11.31.
Variant type: single nucleotide variant.
Coding change: c.2546C>T on transcript NM_001375808.2 (MANE Select); coding-DNA position 2546, C replaced by T.
Protein change: p.Ser849Leu; replaces serine 849 with leucine.
Molecular consequence: missense variant.
Genome position (GRCh38, 1-based): chr18:2,920,778, G>A on the plus strand (C>T on the coding strand, the complement: LPIN2 is on the minus strand). VCF-style: chr18-2920778-G-A. GRCh37 (hg19) VCF-style: chr18-2920776-G-A.
Other names: c.2546C>T, p.Ser849Leu (NM_001375809.1, NM_014646.2); short protein forms S849L.
Identifiers: ClinVar variation 1330687 (VCV001330687.7), dbSNP rs1467998402, ClinGen allele CA401694005.